The following is an entry in ClinVar:

ClinVar aggregate classification (germline): Uncertain significance (1 of 4 stars; one submission).

Submission:

GeneDx
Classification: Uncertain significance. Last evaluated: 2022-06-30. Review status: criteria provided, single submitter. Criteria: GeneDx Variant Classification Process June 2021. Collection method: clinical testing. Allele origin: germline. Affected: yes.
Comment: Not observed at significant frequency in large population cohorts (gnomAD); In silico analysis supports that this missense variant has a deleterious effect on protein structure/function; Has not been previously published as pathogenic or benign to our knowledge

NM_001035.3(RYR2):c.440T>C (p.Val147Ala)

Gene: RYR2 (ryanodine receptor 2; plus strand). Cytogenetic location: 1q43.
Variant type: single nucleotide variant.
Coding change: c.440T>C on transcript NM_001035.3 (MANE Select); coding-DNA position 440, T replaced by C.
Protein change: p.Val147Ala; replaces valine 147 with alanine.
Molecular consequence: missense variant.
Genome position (GRCh38, 1-based): chr1:237,374,772, T>C. VCF-style: chr1-237374772-T-C. GRCh37 (hg19) VCF-style: chr1-237538072-T-C.
Other names: short protein forms V147A.
Identifiers: ClinVar variation 1810085 (VCV001810085.1), dbSNP rs2529941039, ClinGen allele CA345374449.